The following is an entry in ClinVar:

ClinVar aggregate classification (germline): Likely benign. Review status: reviewed by expert panel (3 of 4 stars). 6 submissions from 6 submitters: Likely benign (1). 5 of the submissions do not count toward it. Last evaluated 2017-06-29.

Conditions:
Hereditary cancer-predisposing syndrome. Also called: Neoplastic Syndromes, Hereditary; Hereditary neoplastic syndrome; Tumor predisposition; Hereditary Cancer Syndrome. Identifiers: Orphanet 140162, MedGen C0027672, MeSH D009386, MONDO:0015356.
Hereditary breast ovarian cancer syndrome. Also called: Hereditary breast and ovarian cancer syndrome (HBOC); BRCA1- and BRCA2-Associated Hereditary Breast and Ovarian Cancer; Hereditary breast and/or ovarian cancer syndrome; Hereditary breast and ovarian cancer syndrome; Hereditary breast and ovarian cancer; Breast and ovarian cancer. Identifiers: Orphanet 145, MedGen C0677776, MeSH D061325, MONDO:0003582. Disease mechanism: loss of function.
Breast-ovarian cancer, familial, susceptibility to, 1 (BROVCA1). Also called: BRCA1 Hereditary Breast and Ovarian Cancer; OVARIAN CANCER, SUSCEPTIBILITY TO. Identifiers: Orphanet 145, MedGen C2676676, MONDO:0011450, OMIM 604370. Disease mechanism: loss of function.

Allele frequency attached by ClinVar (database versions not stated): gnomAD 0.00001; gnomAD exomes 0.00001; ExAC 0.00002; 1000 Genomes Project 30x 0.00031; 1000 Genomes Project 0.00040.
gnomAD v4.1: 6 of 1,614,004 alleles (0.00037%); highest among the groups gnomAD compares: Admixed American, 0.01%; no homozygotes.

Submissions (6):

Evidence-based Network for the Interpretation of Germline Mutant Alleles (ENIGMA)
Classification: Likely benign for Breast-ovarian cancer, familial, susceptibility to, 1. Last evaluated: 2017-06-29. Review status: reviewed by expert panel. Criteria: ENIGMA BRCA1/2 Classification Criteria (2017-06-29). Collection method: curation. Allele origin: germline.
Comment: Synonymous substitution variant, with low bioinformatic likelihood to result in a splicing aberration (Splicing prior probability 0.02).

Labcorp Genetics (formerly Invitae), Labcorp
Classification: Likely benign for Hereditary breast ovarian cancer syndrome. Last evaluated: 2025-12-24. Review status: criteria provided, single submitter. Criteria: Invitae Variant Classification Sherloc (09022015). Collection method: clinical testing. Allele origin: germline. Not counted in ClinVar's aggregate classification.

All of Us Research Program, National Institutes of Health
Classification: Likely benign for Breast-ovarian cancer, familial, susceptibility to, 1. Last evaluated: 2023-12-18. Review status: criteria provided, single submitter. Criteria: ACMG Guidelines, 2015. Collection method: clinical testing. Allele origin: germline. Inheritance: Autosomal dominant inheritance. Observed: 3 variant alleles, 3 heterozygotes. Not counted in ClinVar's aggregate classification.
Comment: This study involves interpretation of variants in research participants for the purpose of population health screening. Participant phenotype was not available at the time of variant classification. Additional details can be found in publication PMID: 35346344, PMCID: PMC8962531

Women's Health and Genetics/Laboratory Corporation of America, LabCorp
Classification: Likely benign. Last evaluated: 2022-07-25. Review status: criteria provided, single submitter. Criteria: LabCorp Variant Classification Summary - May 2015. Collection method: clinical testing. Allele origin: germline. Not counted in ClinVar's aggregate classification.

Color Diagnostics, LLC DBA Color Health
Classification: Likely benign for Hereditary cancer-predisposing syndrome. Last evaluated: 2018-08-28. Review status: criteria provided, single submitter. Criteria: ACMG Guidelines, 2015. Collection method: clinical testing. Allele origin: germline. Not counted in ClinVar's aggregate classification.

Ambry Genetics
Classification: Likely benign for Hereditary cancer-predisposing syndrome. Last evaluated: 2017-02-10. Review status: criteria provided, single submitter. Criteria: Ambry Variant Classification Scheme 2023. Collection method: clinical testing. Allele origin: germline. Not counted in ClinVar's aggregate classification.

NM_007294.4(BRCA1):c.1524T>C (p.Pro508=)

Gene: BRCA1 (BRCA1 DNA repair associated; minus strand). Cytogenetic location: 17q21.31.
Variant type: single nucleotide variant.
Coding change: c.1524T>C on transcript NM_007294.4 (MANE Select); coding-DNA position 1524, T replaced by C.
Protein change: p.Pro508=; no amino-acid change (proline 508 retained).
Molecular consequence: synonymous variant. On other transcripts: intron variant (137).
Genome position (GRCh38, 1-based): chr17:43,094,007, A>G on the plus strand (T>C on the coding strand, the complement: BRCA1 is on the minus strand). VCF-style: chr17-43094007-A-G. GRCh37 (hg19) VCF-style: chr17-41246024-A-G.
Other names: c.1311T>C, p.Pro437= (NM_001407571.1, NM_001407853.1, NM_001407894.1 and 9 more transcripts); c.1524T>C, p.Pro508= (NM_001407581.1, NM_001407582.1, NM_001407583.1 and 30 more transcripts); c.1521T>C, p.Pro507= (NM_001407587.1, NM_001407590.1, NM_001407591.1 and 22 more transcripts); c.1515T>C, p.Pro505= (NM_001407646.1, NM_001407647.1); c.1401T>C, p.Pro467= (NM_001407648.1, NM_001407664.1, NM_001407665.1 and 19 more transcripts); c.1398T>C, p.Pro466= (NM_001407649.1, NM_001407670.1, NM_001407671.1 and 11 more transcripts); c.1446T>C, p.Pro482= (NM_001407653.1, NM_001407654.1, NM_001407655.1 and 4 more transcripts); c.1443T>C, p.Pro481= (NM_001407659.1, NM_001407660.1, NM_001407661.1 and 1 more transcripts); and 40 more.
Identifiers: ClinVar variation 427337 (VCV000427337.23), dbSNP rs200616937, ClinGen allele CA057326.
Genomic context (GRCh38, chr17:43,094,007, plus strand): 5'-AGTCTTTTGAACTGCCAAATCTGCTTTCTTGATAAAATCCTCAGGATGAAGGCCTGATGT[A>G]GGTCTCCTTTTACGCTTTAATTTATTTGTGAGGGGACGCTCTTGTATTATCTGTGGCTCA-3'
Protein context (NP_009225.1, residues 498-518): LTNKLKRKRR[Pro508=]TSGLHPEDFI